The following is an entry in ClinVar:

ClinVar aggregate classification (germline): Uncertain significance. Review status: criteria provided, multiple submitters, no conflicts (2 of 4 stars). 3 submissions from 3 submitters: Uncertain significance (3). Last evaluated 2023-04-11.

Conditions:
Intellectual developmental disorder, autosomal dominant 52. Also called: Mental retardation, autosomal dominant 52; Intellectual disability, autosomal dominant 52. Identifiers: MedGen C4540478, MONDO:0030918, OMIM 617796.
ASH1L-related neurodevelopmental disorders.

Submissions (3):

Genome-Nilou Lab
Classification: Uncertain significance for Intellectual developmental disorder, autosomal dominant 52. Last evaluated: 2023-04-11. Review status: criteria provided, single submitter. Criteria: ACMG Guidelines, 2015. Collection method: clinical testing. Allele origin: germline. Affected: no.

Illumina Laboratory Services, Illumina
Classification: Uncertain significance for ASH1L-related neurodevelopmental disorders. Last evaluated: 2021-04-08. Review status: criteria provided, single submitter. Criteria: ICSLVariantClassificationCriteria RUGD 01 April 2020. Collection method: clinical testing. Allele origin: unknown.
Comment: The ASH1L c.3397G>C (p.Val1133Leu) variant is a missense variant. A literature search was performed for the gene, cDNA change, and amino acid change. No publications were found based on this search. This variant is not found in the Genome Aggregation Database in a region of good sequence coverage (version 2.1.1), so the variant is presumed to be rare. Based on the limited evidence, the p.Val1133Leu variant is classified as a variant of uncertain significance for ASH1L-related neurodevelopmental disorders.

Baylor Genetics
Classification: Uncertain significance for Intellectual developmental disorder, autosomal dominant 52. Last evaluated: 2018-02-19. Review status: criteria provided, single submitter. Criteria: ACMG Guidelines, 2015. Collection method: clinical testing. Allele origin: paternal. Affected: yes.
Comment: This variant was determined to be of uncertain significance according to ACMG Guidelines, 2015 [PMID:25741868].

NM_018489.3(ASH1L):c.3397G>C (p.Val1133Leu)

Gene: ASH1L (ASH1 like histone lysine methyltransferase; minus strand). Cytogenetic location: 1q22.
Variant type: single nucleotide variant.
Coding change: c.3397G>C on transcript NM_018489.3 (MANE Select); coding-DNA position 3397, G replaced by C.
Protein change: p.Val1133Leu; replaces valine 1133 with leucine.
Molecular consequence: missense variant.
Genome position (GRCh38, 1-based): chr1:155,479,473, C>G on the plus strand (G>C on the coding strand, the complement: ASH1L is on the minus strand). VCF-style: chr1-155479473-C-G. GRCh37 (hg19) VCF-style: chr1-155449264-C-G.
Other names: c.3397G>C, p.Val1133Leu (NM_001366177.2); short protein forms V1133L.
Identifiers: ClinVar variation 1033489 (VCV001033489.6), dbSNP rs1665802694, ClinGen allele CA342711703.